The following is an entry in ClinVar:

ClinVar aggregate classification (germline): Uncertain significance. Review status: criteria provided, multiple submitters, no conflicts (2 of 4 stars). 2 submissions from 2 submitters: Uncertain significance (2). Last evaluated 2025-09-16.

Conditions:
Hereditary cancer-predisposing syndrome. Also called: Neoplastic Syndromes, Hereditary; Tumor predisposition; Hereditary Cancer Syndrome; Hereditary neoplastic syndrome. Identifiers: Orphanet 140162, MedGen C0027672, MeSH D009386, MONDO:0015356.
Peutz-Jeghers syndrome (PJS). Also called: POLYPOSIS, HAMARTOMATOUS INTESTINAL; POLYPS-AND-SPOTS SYNDROME; Peutz-Jeghers polyposis; Periorificial lentiginosis syndrome. Identifiers: Orphanet 2869, MedGen C0031269, MeSH D010580, MONDO:0008280, OMIM 175200.

Submissions (2):

Labcorp Genetics (formerly Invitae), Labcorp
Classification: Uncertain significance for Peutz-Jeghers syndrome. Last evaluated: 2025-09-16. Review status: criteria provided, single submitter. Criteria: Invitae Variant Classification Sherloc (09022015). Collection method: clinical testing. Allele origin: germline.
Comment: This sequence change replaces threonine, which is neutral and polar, with serine, which is neutral and polar, at codon 186 of the STK11 protein (p.Thr186Ser). This variant is not present in population databases (gnomAD no frequency). This variant has not been reported in the literature in individuals affected with STK11-related conditions. Invitae Evidence Modeling of protein sequence and biophysical properties (such as structural, functional, and spatial information, amino acid conservation, physicochemical variation, residue mobility, and thermodynamic stability) indicates that this missense variant is not expected to disrupt STK11 protein function with a negative predictive value of 95%. In summary, the available evidence is currently insufficient to determine the role of this variant in disease. Therefore, it has been classified as a Variant of Uncertain Significance.

Ambry Genetics
Classification: Uncertain significance for Hereditary cancer-predisposing syndrome. Last evaluated: 2025-09-01. Review status: criteria provided, single submitter. Criteria: Ambry Variant Classification Scheme 2023. Collection method: clinical testing. Allele origin: germline.
Comment: The p.T186S variant (also known as c.557C>G), located in coding exon 4 of the STK11 gene, results from a C to G substitution at nucleotide position 557. The threonine at codon 186 is replaced by serine, an amino acid with similar properties. This amino acid position is conserved. In addition, this alteration is predicted to be tolerated by in silico analysis. Based on the available evidence, the clinical significance of this variant remains unclear.

NM_000455.5(STK11):c.557C>G (p.Thr186Ser)

Gene: STK11 (serine/threonine kinase 11; plus strand). Cytogenetic location: 19p13.3.
Variant type: single nucleotide variant.
Coding change: c.557C>G on transcript NM_000455.5 (MANE Select); coding-DNA position 557, C replaced by G.
Protein change: p.Thr186Ser; replaces threonine 186 with serine.
Molecular consequence: missense variant. On other transcripts: non-coding transcript variant (1).
Genome position (GRCh38, 1-based): chr19:1,220,465, C>G. VCF-style: chr19-1220465-C-G. GRCh37 (hg19) VCF-style: chr19-1220464-C-G.
Other names: c.557C>G, p.Thr186Ser (NM_001407255.1); short protein forms T186S.
Identifiers: ClinVar variation 4176623 (VCV004176623.2).